The following is an entry in ClinVar:

NM_018896.5(CACNA1G):c.1660C>A (p.His554Asn)

Gene: CACNA1G (calcium voltage-gated channel subunit alpha1 G; plus strand). Cytogenetic location: 17q21.33.
Variant type: single nucleotide variant.
Coding change: c.1660C>A on transcript NM_018896.5 (MANE Select); coding-DNA position 1660, C replaced by A.
Protein change: p.His554Asn; replaces histidine 554 with asparagine.
Molecular consequence: missense variant. On other transcripts: non-coding transcript variant (5).
Genome position (GRCh38, 1-based): chr17:50,576,062, C>A. VCF-style: chr17-50576062-C-A. GRCh37 (hg19) VCF-style: chr17-48653423-C-A.
Other names: c.1660C>A, p.His554Asn (NM_198388.3, NM_198396.3, NM_198385.3 and 24 more transcripts); short protein forms H554N.
Identifiers: ClinVar variation 4217830 (VCV004217830.6).

ClinVar aggregate classification (germline): Uncertain significance. Review status: criteria provided, multiple submitters, no conflicts (2 of 4 stars). 2 submissions from 2 submitters: Uncertain significance (2). Last evaluated 2025-12-01.

Conditions:
Inborn genetic diseases. Identifiers: MedGen C0950123, MeSH D030342.

gnomAD v4.1: 3 of 1,583,314 alleles (0.00019%); highest among the groups gnomAD compares: Non-Finnish European, 0.00026%; no homozygotes.

Submissions (2):

CeGaT Center for Human Genetics Tuebingen
Classification: Uncertain significance. Last evaluated: 2025-12-01. Review status: criteria provided, single submitter. Criteria: CeGaT Center For Human Genetics Tuebingen Variant Classification Criteria Version 2. Collection method: clinical testing. Allele origin: germline. Affected: yes. Observed: 1 variant allele.
Comment: CACNA1G: PP3

Ambry Genetics
Classification: Uncertain significance for Inborn genetic diseases. Last evaluated: 2025-08-23. Review status: criteria provided, single submitter. Criteria: Ambry Variant Classification Scheme 2023. Collection method: clinical testing. Allele origin: germline.